The following is an entry in ClinVar:

NM_000540.3(RYR1):c.8337G>A (p.Glu2779=)

Genes: RYR1 (ryanodine receptor 1; plus strand), LOC126862902 (BRD4-independent group 4 enhancer GRCh37_chr19:38995830-38997029; plus strand). Cytogenetic location: 19q13.2.
Variant type: single nucleotide variant.
Coding change: c.8337G>A on transcript NM_000540.3 (MANE Select); coding-DNA position 8337, G replaced by A.
Protein change: p.Glu2779=; no amino-acid change (glutamic acid 2779 retained).
Molecular consequence: synonymous variant.
Genome position (GRCh38, 1-based): chr19:38,505,335, G>A. VCF-style: chr19-38505335-G-A. GRCh37 (hg19) VCF-style: chr19-38995975-G-A.
Other names: p.Glu2779=; c.8337G>A, p.Glu2779= (NM_001042723.2).
Identifiers: ClinVar variation 93299 (VCV000093299.37), dbSNP rs2915952, ClinGen allele CA024912.

ClinVar aggregate classification (germline): Benign. Review status: criteria provided, multiple submitters, no conflicts (2 of 4 stars). 21 submissions from 17 submitters: Benign (17). 4 of the submissions do not count toward it. Last evaluated 2026-02-04.

Conditions:
RYR1-related disorder. Also called: RYR1-related condition; RYR1-related disorders. Identifiers: MedGen CN239331.
Central core myopathy (CMYO1A). Also called: CONGENITAL MYOPATHY 1A, AUTOSOMAL DOMINANT, WITH SUSCEPTIBILITY TO MALIGNANT HYPERTHERMIA; Central core disease; Myopathy, central fibrillar. Identifiers: Orphanet 597, MedGen C5830701, MONDO:0007294, OMIM 117000.
Malignant hyperthermia, susceptibility to, 1 (MHS1). Also called: Malignant hyperthermia suceptibility 1; Anesthesia related hyperthermia; Malignant hyperpyrexia; Fulminating hyperpyrexia; Pharmacogenic myopathy; RYR1-Related Malignant Hyperthermia Susceptibility. Identifiers: Orphanet 423, MedGen C2930980, MONDO:0007783, OMIM 145600.
Congenital multicore myopathy with external ophthalmoplegia (CMYO1B). Also called: MULTIMINICORE DISEASE WITH EXTERNAL OPHTHALMOPLEGIA; MULTICORE MYOPATHY; Minicore myopathy with external ophthalmoplegia; Congenital myopathy 1B, autosomal recessive; Minicore myopathy. Identifiers: Orphanet 598, Orphanet 98905, MedGen C1850674, MONDO:0009712, OMIM 255320, HP:0003789.
King Denborough syndrome (KDS). Identifiers: MedGen C1840365, MONDO:0020485, OMIM 619542.
Congenital myopathy with fiber type disproportion. Also called: Congenital fiber-type disproportion myopathy; Congenital fiber-type disproportion. Identifiers: Orphanet 2020, MedGen C0546264, MONDO:0009711. Inheritance: all.

Allele frequency attached by ClinVar (database versions not stated): ESP Exome Variant Server 0.30821; gnomAD 0.32150 and 0.32638; ExAC 0.32941; TOPMed 0.33252; 1000 Genomes Project 30x 0.40225; 1000 Genomes Project 0.40595.
gnomAD v4.1: 449,612 of 1,608,310 alleles (28%); highest among the groups gnomAD compares: South Asian, 45%; 67,086 homozygotes.

Submissions (21):

Labcorp Genetics (formerly Invitae), Labcorp
Classification: Benign for RYR1-related disorder. Last evaluated: 2026-02-04. Review status: criteria provided, single submitter. Criteria: Invitae Variant Classification Sherloc (09022015). Collection method: clinical testing. Allele origin: germline.

Blueprint Genetics
Classification: Benign. Last evaluated: 2024-11-28. Review status: criteria provided, single submitter. Criteria: ACMG Guidelines, 2015. Collection method: clinical testing. Allele origin: germline.

Genome-Nilou Lab
Classification: Benign for Central core myopathy. Last evaluated: 2021-11-07. Review status: criteria provided, single submitter. Criteria: ACMG Guidelines, 2015. Collection method: clinical testing. Allele origin: germline. Affected: no.

Genome-Nilou Lab
Classification: Benign for King Denborough syndrome. Last evaluated: 2021-11-07. Review status: criteria provided, single submitter. Criteria: ACMG Guidelines, 2015. Collection method: clinical testing. Allele origin: germline. Affected: no.

Genome-Nilou Lab
Classification: Benign for Congenital multicore myopathy with external ophthalmoplegia. Last evaluated: 2021-11-07. Review status: criteria provided, single submitter. Criteria: ACMG Guidelines, 2015. Collection method: clinical testing. Allele origin: germline. Affected: no.

Fulgent Genetics
Classification: Benign for Central core myopathy; Malignant hyperthermia, susceptibility to, 1; Congenital myopathy 4A, autosomal dominant; Congenital multicore myopathy with external ophthalmoplegia; King Denborough syndrome. Last evaluated: 2021-07-15. Review status: criteria provided, single submitter. Criteria: ACMG Guidelines, 2015. Collection method: clinical testing. Allele origin: unknown.

Color Diagnostics, LLC DBA Color Health
Classification: Benign for Malignant hyperthermia, susceptibility to, 1. Last evaluated: 2019-03-29. Review status: criteria provided, single submitter. Criteria: ACMG Guidelines, 2015. Collection method: clinical testing. Allele origin: germline.

PreventionGenetics, part of Exact Sciences
Classification: Benign. Last evaluated: 2018-04-03. Review status: criteria provided, single submitter. Criteria: ACMG Guidelines, 2015. Collection method: clinical testing. Allele origin: germline.

Illumina Laboratory Services, Illumina
Classification: Benign for Congenital multicore myopathy with external ophthalmoplegia. Last evaluated: 2018-01-13. Review status: criteria provided, single submitter. Criteria: ICSL Variant Classification Criteria 13 December 2019. Collection method: clinical testing. Allele origin: germline.
Comment: This variant was observed in the ICSL laboratory as part of a predisposition screen in an ostensibly healthy population. It had not been previously curated by ICSL or reported in the Human Gene Mutation Database (HGMD: prior to June 1st, 2018), and was therefore a candidate for classification through an automated scoring system. Utilizing variant allele frequency, disease prevalence and penetrance estimates, and inheritance mode, an automated score was calculated to assess if this variant is too frequent to cause the disease. Based on the score and internal cut-off values, a variant classified as benign is not then subjected to further curation. The score for this variant resulted in a classification of benign for this disease.

Illumina Laboratory Services, Illumina
Classification: Benign for Malignant hyperthermia, susceptibility to, 1. Last evaluated: 2018-01-13. Review status: criteria provided, single submitter. Criteria: ICSL Variant Classification Criteria 13 December 2019. Collection method: clinical testing. Allele origin: germline.
Comment: the same text as in the submission from Illumina Laboratory Services, Illumina above.

Illumina Laboratory Services, Illumina
Classification: Benign for Central core myopathy. Last evaluated: 2018-01-13. Review status: criteria provided, single submitter. Criteria: ICSL Variant Classification Criteria 13 December 2019. Collection method: clinical testing. Allele origin: germline.
Comment: the same text as in the submission from Illumina Laboratory Services, Illumina above.

Mayo Clinic Laboratories, Mayo Clinic
Classification: Benign. Last evaluated: 2017-07-19. Review status: criteria provided, single submitter. Criteria: ACMG Guidelines, 2015. Collection method: clinical testing. Allele origin: germline. Observed: 400 variant alleles.

GeneDx
Classification: Benign. Last evaluated: 2016-01-13. Review status: criteria provided, single submitter. Criteria: GeneDx Variant Classification (06012015). Collection method: clinical testing. Allele origin: germline. Affected: yes.
Comment: This variant is considered likely benign or benign based on one or more of the following criteria: it is a conservative change, it occurs at a poorly conserved position in the protein, it is predicted to be benign by multiple in silico algorithms, and/or has population frequency not consistent with disease.

Laboratory for Molecular Medicine, Mass General Brigham Personalized Medicine
Classification: Benign. Last evaluated: 2015-01-13. Review status: criteria provided, single submitter. Criteria: LMM Criteria. Collection method: clinical testing. Allele origin: germline. Observed: 4 variant alleles.
Comment: p.Glu2779Glu in exon 53 of RYR1: This variant is not expected to have clinical s ignificance because it does not alter an amino acid residue and is not located w ithin the splice consensus sequence. It has been identified in 42.7% (1879/4404) of African American chromosomes from a broad population by the NHLBI Exome Sequ encing Project (dbSNP rs2915952).

Eurofins Ntd Llc (ga)
Classification: Benign. Last evaluated: 2014-06-06. Review status: criteria provided, single submitter. Criteria: EGL Classification Definitions 2015. Collection method: clinical testing. Allele origin: germline. Observed: 26 variant alleles, 24 heterozygotes, 2 homozygotes.

Genetic Services Laboratory, University of Chicago
Classification: Benign. Last evaluated: 2013-08-15. Review status: criteria provided, single submitter. Criteria: ACMG Guidelines, 2007. Collection method: clinical testing. Allele origin: germline. Inheritance: Autosomal unknown.

Breakthrough Genomics
Classification: Benign. Review status: criteria provided, single submitter. Criteria: ACMG Guidelines, 2015. Collection method: not provided. Allele origin: germline. Inheritance: Autosomal recessive inheritance. Affected: yes.

Clinical Genetics, Academic Medical Center
Classification: Benign. Review status: no assertion criteria provided. Collection method: clinical testing. Allele origin: germline. Affected: yes. Study: VKGL Data-share Consensus. Not counted in ClinVar's aggregate classification.

Department of Pathology and Laboratory Medicine, Sinai Health System
Classification: Uncertain significance. Review status: no assertion criteria provided. Collection method: clinical testing. Allele origin: unknown. Affected: yes. Study: The Canadian Open Genetics Repository (COGR). Not counted in ClinVar's aggregate classification.
Comment: Allele frequency is common in at least one population database (frequency: 46.041% in ExAC) based on the frequency threshold of 2.223% for this gene. Variant was observed in a homozygous state in population databases more than expected for disease. 9 reputable source/s reports the variant as benign, but the evidence is not available to the laboratory to perform an independent evaluation. A synonymous variant not located in a splice region.

Joint Genome Diagnostic Labs from Nijmegen and Maastricht, Radboudumc and MUMC+
Classification: Benign. Review status: no assertion criteria provided. Collection method: clinical testing. Allele origin: germline. Affected: yes. Study: VKGL Data-share Consensus. Not counted in ClinVar's aggregate classification.

RYR1 database
No classification provided. Review status: no classification provided. Collection method: not provided. Allele origin: unknown. Not counted in ClinVar's aggregate classification.